The following is an entry in ClinVar:

ClinVar aggregate classification (germline): Conflicting classifications of pathogenicity. Review status: criteria provided, conflicting classifications (1 of 4 stars). 5 submissions from 5 submitters: Likely pathogenic (2); Uncertain significance (2). 1 of the submissions does not count toward it. Last evaluated 2024-02-10.

Conditions:
Mitochondrial trifunctional protein deficiency 1 (MTPD1). Identifiers: MedGen CN376812, MONDO:0958181, OMIM 609015.
Long chain 3-hydroxyacyl-CoA dehydrogenase deficiency. Also called: Deficiency of long-chain 3-hydroxyacyl-coenzyme A dehydrogenase; LCHAD Deficiency. Identifiers: Orphanet 5, MedGen C3711645, MONDO:0012173, OMIM 609016.
Mitochondrial trifunctional protein deficiency. Identifiers: Orphanet 746, MedGen C1969443, MONDO:0012172.

Allele frequency attached by ClinVar (database versions not stated): gnomAD 0.00001; gnomAD exomes 0.00001 and 0.00002; ExAC 0.00002.
gnomAD v4.1: 15 of 1,542,130 alleles (0.00097%); highest among the groups gnomAD compares: South Asian, 0.013%; no homozygotes.

Submissions (5):

Fulgent Genetics
Classification: Likely pathogenic for Mitochondrial trifunctional protein deficiency 1; Long chain 3-hydroxyacyl-CoA dehydrogenase deficiency. Last evaluated: 2024-02-10. Review status: criteria provided, single submitter. Criteria: ACMG Guidelines, 2015. Collection method: clinical testing. Allele origin: germline.

Institute of Medical Genetics and Genomics, Sir Ganga Ram Hospital
Classification: Likely pathogenic for Mitochondrial trifunctional protein deficiency 1. Last evaluated: 2023-10-12. Review status: criteria provided, single submitter. Criteria: ACMG Guidelines, 2015. Collection method: clinical testing. Allele origin: germline. Inheritance: Autosomal recessive inheritance. Affected: yes. Observed: 1 homozygote.
Comment: This variant has been identified as a very rare variant in gnomAD database with an allele frequency of 0.0016%. Insilico predictions [REVEL:0.96] predicts a damaging nature of this variant. Based on the clinical phenotype and variant characteristics, this variant is considered to be Likely pathogenic.

Labcorp Genetics (formerly Invitae), Labcorp
Classification: Uncertain significance for Mitochondrial trifunctional protein deficiency; Long chain 3-hydroxyacyl-CoA dehydrogenase deficiency. Last evaluated: 2022-07-11. Review status: criteria provided, single submitter. Criteria: Invitae Variant Classification Sherloc (09022015). Collection method: clinical testing. Allele origin: germline.
Comment: This sequence change replaces alanine, which is neutral and non-polar, with aspartic acid, which is acidic and polar, at codon 473 of the HADHA protein (p.Ala473Asp). This variant is present in population databases (rs772166712, gnomAD 0.01%). This missense change has been observed in individual(s) with a positive newborn screening result for HADHA-related disease (Invitae). ClinVar contains an entry for this variant (Variation ID: 194324). Advanced modeling of protein sequence and biophysical properties (such as structural, functional, and spatial information, amino acid conservation, physicochemical variation, residue mobility, and thermodynamic stability) performed at Invitae indicates that this missense variant is expected to disrupt HADHA protein function. In summary, the available evidence is currently insufficient to determine the role of this variant in disease. Therefore, it has been classified as a Variant of Uncertain Significance.

Eurofins Ntd Llc (ga)
Classification: Uncertain significance. Last evaluated: 2015-02-23. Review status: criteria provided, single submitter. Criteria: EGL Classification Definitions 2015. Collection method: clinical testing. Allele origin: germline. Observed: 1 variant allele, 1 homozygote.

Natera, Inc.
Classification: Uncertain significance for Deficiency of long-chain 3-hydroxyacyl-coenzyme A dehydrogenase. Last evaluated: 2020-06-18. Review status: no assertion criteria provided. Collection method: clinical testing. Allele origin: germline. Not counted in ClinVar's aggregate classification.

NM_000182.5(HADHA):c.1418C>A (p.Ala473Asp)

Genes: GAREM2 (GRB2 associated regulator of MAPK1 subtype 2; plus strand), HADHA (hydroxyacyl-CoA dehydrogenase trifunctional multienzyme complex subunit alpha; minus strand). Cytogenetic location: 2p23.3.
Variant type: single nucleotide variant.
Coding change: c.1418C>A on transcript NM_000182.5 (MANE Select); coding-DNA position 1418, C replaced by A.
Protein change: p.Ala473Asp; replaces alanine 473 with aspartic acid.
Molecular consequence: missense variant.
Genome position (GRCh38, 1-based): chr2:26,197,752, G>T on the plus strand (C>A on the coding strand, the complement: HADHA is on the minus strand). VCF-style: chr2-26197752-G-T. GRCh37 (hg19) VCF-style: chr2-26420621-G-T.
Other names: short protein forms A473D.
Identifiers: ClinVar variation 194324 (VCV000194324.9), dbSNP rs772166712, ClinGen allele CA240226.